The following is an entry in ClinVar:

ClinVar aggregate classification (germline): Uncertain significance (1 of 4 stars; one submission).

Allele frequency attached by ClinVar (database versions not stated): gnomAD exomes 0.00001.
gnomAD v4.1: 8 of 1,576,580 alleles (0.00051%); highest among the groups gnomAD compares: Non-Finnish European, 0.00069%; no homozygotes.

Submission:

Greenwood Genetic Center Diagnostic Laboratories, Greenwood Genetic Center
Classification: Uncertain significance. Last evaluated: 2022-12-19. Review status: criteria provided, single submitter. Criteria: ACMG Guidelines, 2015. Collection method: clinical testing. Allele origin: germline. Affected: yes.
Comment: PM2, PP3

NM_001278716.2(FBXL4):c.513-3C>A

Gene: FBXL4 (F-box and leucine rich repeat protein 4; minus strand). Cytogenetic location: 6q16.2.
Variant type: single nucleotide variant.
Coding change: c.513-3C>A on transcript NM_001278716.2 (MANE Select); 3 bases into the intron before coding-DNA position 513, C replaced by A.
Molecular consequence: intron variant.
Genome position (GRCh38, 1-based): chr6:98,917,722, G>T on the plus strand (C>A on the coding strand, the complement: FBXL4 is on the minus strand). VCF-style: chr6-98917722-G-T. GRCh37 (hg19) VCF-style: chr6-99365598-G-T.
Other names: c.513-3C>A (NM_012160.5).
Identifiers: ClinVar variation 2429040 (VCV002429040.4), dbSNP rs2535104847, ClinGen allele CA16021292.